The following is an entry in ClinVar:

ClinVar aggregate classification (germline): Uncertain significance (1 of 4 stars; one submission).

Submission:

Dasa
Classification: Uncertain significance. Last evaluated: 2025-05-07. Review status: criteria provided, single submitter. Criteria: DASA Assertion Criteria. Collection method: clinical testing. Allele origin: germline.
Comment: NM_000543.5(SMPD1):c.1341-5del is a splice-region variant. This variant affects a splice-region context with prior evidence supporting clinical relevance. This variant is absent from population databases. Computational prediction algorithms are consistent with a benign effect. The currently available literature and clinical evidence are not sufficient to establish a definitive association between this variant and the reported condition. Therefore, this variant is classified as a variant of uncertain significance.

NM_000543.5(SMPD1):c.1341-5del

Gene: SMPD1 (sphingomyelin phosphodiesterase 1; plus strand). Cytogenetic location: 11p15.4.
Variant type: Deletion.
Coding change: c.1341-5del on transcript NM_000543.5 (MANE Select); 5 bases into the intron before coding-DNA position 1341, one base deleted (G; older notation c.1341-5delG).
Molecular consequence: intron variant.
Genome position (GRCh38, 1-based): chr11:6,393,891, G deleted; the last of 2 consecutive G bases (chr11:6,393,890-6,393,891); deleting either gives the same sequence. VCF-style (leftmost placement, unchanged base first): chr11-6393889-TG-T. GRCh37 (hg19) VCF-style: chr11-6415119-TG-T.
Other names: c.420-5del (NM_001318088.2); c.1209-5del (NM_001365135.2); c.1341-5del (NM_001318087.2); c.1338-5del (NM_001007593.3).
Identifiers: ClinVar variation 4886276 (VCV004886276.2).